The following is an entry in ClinVar:

NM_000545.8(HNF1A):c.16A>T (p.Ser6Cys)

Gene: HNF1A (HNF1 homeobox A; plus strand). Cytogenetic location: 12q24.31.
Variant type: single nucleotide variant.
Coding change: c.16A>T on transcript NM_000545.8 (MANE Select); coding-DNA position 16, A replaced by T.
Protein change: p.Ser6Cys; replaces serine 6 with cysteine.
Molecular consequence: missense variant.
Genome position (GRCh38, 1-based): chr12:120,978,784, A>T. VCF-style: chr12-120978784-A-T. GRCh37 (hg19) VCF-style: chr12-121416587-A-T.
Other names: NM_001306179.2:c.16A>T; c.16A>T, p.Ser6Cys (NM_001306179.2); short protein forms S6C.
Identifiers: ClinVar variation 1342950 (VCV001342950.4), dbSNP rs2135819349, ClinGen allele CA386952188.
Genomic context (GRCh38, chr12:120,978,784, plus strand): 5'-CTAGCGTGGTGGACCCGGGCCGCGTGGCCCTGTGGCAGCCGAGCCATGGTTTCTAAACTG[A>T]GCCAGCTGCAGACGGAGCTCCTGGCGGCCCTGCTCGAGTCAGGGCTGAGCAAAGAGGCAC-3'
Protein context (NP_000536.6, residues 1-16): MVSKL[Ser6Cys]QLQTELLAAL

ClinVar aggregate classification (germline): Likely pathogenic (3 of 4 stars; one submission).

Conditions:
Monogenic diabetes. Identifiers: Orphanet 183625, MedGen C3888631, MONDO:0015967.

Submission:

ClinGen Monogenic Diabetes Variant Curation Expert Panel
Classification: Likely pathogenic for Monogenic diabetes. Last evaluated: 2024-08-05. Review status: reviewed by expert panel. Criteria: ClinGen Diabetes ACMG Specifications HNF1A V2.1.0. Collection method: curation. Allele origin: germline. Inheritance: Autosomal dominant inheritance.
Comment: The c.16A>T variant in the HNF1 homeobox A gene, HNF1A, causes an amino acid change of serine to cysteine at codon 6 (p.(Ser6Cys)) of NM_000545.8. This variant is located within the DNA binding domain of HNF1A, which is defined as critical for the protein’s function by the ClinGen MDEP (PM1_Supporting). Additionally, this variant was identified in an individual with a clinical history highly specific for HNF1A-MODY (MODY probability calculator result >50%, negative genetic testing for HNF4A, sulfonylurea-responsive) (PP4_Moderate; internal lab contributor). This variant is absent from gnomAD v2.1.1 (PM2_Supporting). This variant is predicted to be deleterious by computational evidence, with a REVEL score of 0.8529, which is greater than the MDEP threshold of 0.70 (PP3). Another missense variant, c.16A>G p. Ser6Asn, has been classified as pathogenic by the ClinGen MDEP, and p.Ser6Cys has a greater Grantham distance (PM5). In summary, this variant meets the criteria to be classified as likely pathogenic for monogenic diabetes. ACMG/AMP criteria applied, as specified by the ClinGen MDEP (specification version 1.1, approved 9/30/2021): PM1_Supporting, PP4_Moderate, PM2_Supporting, PP3, PM5.